The following is an entry in ClinVar:

ClinVar aggregate classification (germline): Uncertain significance. Review status: criteria provided, multiple submitters, no conflicts (2 of 4 stars). 2 submissions from 2 submitters: Uncertain significance (2). Last evaluated 2025-01-15.

Conditions:
Congenital myopathy 22A, classic (CMYO22A). Identifiers: MedGen C5830453, MONDO:0957247, OMIM 620351.
Hypokalemic periodic paralysis, type 2 (HOKPP2). Identifiers: Orphanet 681, MedGen C2750061, MONDO:0013234, OMIM 613345.
Hyperkalemic periodic paralysis. Also called: Gamstorp disease; Familial hyperkalemic periodic paralysis. Identifiers: Orphanet 682, MedGen C0238357, MONDO:0008224, OMIM 170500, HP:0007215.
Congenital myopathy 22B, severe fetal (CMYO22B). Identifiers: MedGen C5830501, MONDO:0957265, OMIM 620369.
Congenital myasthenic syndrome 16. Identifiers: Orphanet 590, MedGen C3280112, MONDO:0013620, OMIM 614198.
Potassium-aggravated myotonia. Also called: MYOTONIA CONGENITA, ACETAZOLAMIDE-RESPONSIVE; MYOTONIA CONGENITA, ATYPICAL; SODIUM CHANNEL MUSCLE DISEASE; Myotonia congenita, atypical, acetazolamide-responsive. Identifiers: Orphanet 612, Orphanet 99734, Orphanet 99735, Orphanet 99736, MedGen C2931826, MONDO:0018959, OMIM 608390.
Paramyotonia congenita of Von Eulenburg. Also called: PARALYSIS PERIODICA PARAMYOTONICA; Eulenburg disease; Myotonia congenita intermittens; Von Eulenburg paramyotonia congenita; Paramyotonia Congenita. Identifiers: Orphanet 684, MedGen C0221055, MONDO:0008195, OMIM 168300. Disease mechanism: loss of function.

gnomAD v4.1: 2 of 1,613,786 alleles (0.00012%); highest among the groups gnomAD compares: African/African-American, 0.0013%; no homozygotes.

Submissions (2):

GeneDx
Classification: Uncertain significance. Last evaluated: 2025-01-15. Review status: criteria provided, single submitter. Criteria: GeneDx Variant Classification Process June 2021. Collection method: clinical testing. Allele origin: germline. Affected: yes.
Comment: Not observed at significant frequency in large population cohorts (gnomAD); In silico analysis supports that this missense variant has a deleterious effect on protein structure/function; Has not been previously published as pathogenic or benign to our knowledge

Fulgent Genetics
Classification: Uncertain significance for Paramyotonia congenita of Von Eulenburg; Hyperkalemic periodic paralysis; Potassium-aggravated myotonia; Hypokalemic periodic paralysis, type 2; Congenital myasthenic syndrome 16; Congenital myopathy 22A, classic; Congenital myopathy 22B, severe fetal. Last evaluated: 2024-06-04. Review status: criteria provided, single submitter. Criteria: ACMG Guidelines, 2015. Collection method: clinical testing. Allele origin: germline.

NM_000334.4(SCN4A):c.4955G>T (p.Arg1652Met)

Genes: GH-LCR (growth hormone locus control region; plus strand), SCN4A (sodium voltage-gated channel alpha subunit 4; minus strand). Cytogenetic location: 17q23.3.
Variant type: single nucleotide variant.
Coding change: c.4955G>T on transcript NM_000334.4 (MANE Select); coding-DNA position 4955, G replaced by T.
Protein change: p.Arg1652Met; replaces arginine 1652 with methionine.
Molecular consequence: missense variant.
Genome position (GRCh38, 1-based): chr17:63,941,327, C>A on the plus strand (G>T on the coding strand, the complement: SCN4A is on the minus strand). VCF-style: chr17-63941327-C-A. GRCh37 (hg19) VCF-style: chr17-62018687-C-A.
Other names: short protein forms R1652M.
Identifiers: ClinVar variation 3582637 (VCV003582637.2).
Genomic context (GRCh38, chr17:63,941,327, plus strand): 5'-TCCCCTGGCACCATGGGCAAGTCCAGTGTGATGAGCTTGATCTTGTTGGGCTTGGCAATC[C>A]TCAGCGGTTCCTGCAGGGTGTCCACGAAGTCTGAGAGGCGGCTGTAGGCGATGAACTGGG-3'
Protein context (NP_000325.4, residues 1642-1662): DFVDTLQEPL[Arg1652Met]IAKPNKIKLI